The following is an entry in ClinVar:

NM_004813.4(PEX16):c.360-18A>G

Gene: PEX16 (peroxisomal biogenesis factor 16; minus strand). Cytogenetic location: 11p11.2.
Variant type: single nucleotide variant.
Coding change: c.360-18A>G on transcript NM_004813.4 (MANE Select); 18 bases into the intron before coding-DNA position 360, A replaced by G.
Molecular consequence: intron variant.
Genome position (GRCh38, 1-based): chr11:45,915,586, T>C on the plus strand (A>G on the coding strand, the complement: PEX16 is on the minus strand). VCF-style: chr11-45915586-T-C. GRCh37 (hg19) VCF-style: chr11-45937137-T-C.
Other names: c.360-18A>G (NM_057174.3).
Identifiers: ClinVar variation 2134061 (VCV002134061.4), dbSNP rs376700606, ClinGen allele CA2580084308.

ClinVar aggregate classification (germline): Uncertain significance (1 of 4 stars; one submission).

Conditions:
Peroxisome biogenesis disorder. Identifiers: Orphanet 79189, MedGen C1832200, MONDO:0019234. Disease mechanism: loss of function.

Submission:

Labcorp Genetics (formerly Invitae), Labcorp
Classification: Uncertain significance for Peroxisome biogenesis disorder. Last evaluated: 2022-05-05. Review status: criteria provided, single submitter. Criteria: Invitae Variant Classification Sherloc (09022015). Collection method: clinical testing. Allele origin: germline.
Comment: In summary, the available evidence is currently insufficient to determine the role of this variant in disease. Therefore, it has been classified as a Variant of Uncertain Significance. Algorithms developed to predict the effect of sequence changes on RNA splicing suggest that this variant may disrupt the consensus splice site. This variant has not been reported in the literature in individuals affected with PEX16-related conditions. This variant is not present in population databases (gnomAD no frequency). This sequence change falls in intron 4 of the PEX16 gene. It does not directly change the encoded amino acid sequence of the PEX16 protein.